The following is an entry in ClinVar:

NM_000169.3(GLA):c.56T>C (p.Leu19Pro)

Genes: RPL36A-HNRNPH2 (RPL36A-HNRNPH2 readthrough; plus strand), GLA (galactosidase alpha; minus strand). Cytogenetic location: Xq22.1.
Variant type: single nucleotide variant.
Coding change: c.56T>C on transcript NM_000169.3 (MANE Select); coding-DNA position 56, T replaced by C.
Protein change: p.Leu19Pro; replaces leucine 19 with proline.
Molecular consequence: missense variant. On other transcripts: non-coding transcript variant (3), intron variant (2).
Genome position (GRCh38, 1-based): chrX:101,407,848, A>G on the plus strand (T>C on the coding strand, the complement: GLA is on the minus strand). VCF-style: chrX-101407848-A-G. GRCh37 (hg19) VCF-style: chrX-100662836-A-G.
Other names: c.56T>C, p.Leu19Pro (NM_001406747.1, NM_001406748.1, NM_001406749.1); c.301-4088A>G (NM_001199973.2); c.178-4088A>G (NM_001199974.2); short protein forms L19P.
Identifiers: ClinVar variation 917704 (VCV000917704.5), dbSNP rs1928592578, ClinGen allele CA413937689.

ClinVar aggregate classification (germline): Conflicting classifications of pathogenicity. Review status: criteria provided, conflicting classifications (1 of 4 stars). 3 submissions from 3 submitters: Likely pathogenic (2); Uncertain significance (1). Last evaluated 2026-09-08.

Conditions:
Fabry disease. Also called: Fabry's disease; Angiokeratoma corporis diffusum; CERAMIDE TRIHEXOSIDASE DEFICIENCY; GLA DEFICIENCY; HEREDITARY DYSTOPIC LIPIDOSIS; ALPHA-GALACTOSIDASE A DEFICIENCY. Identifiers: Orphanet 324, MedGen C0002986, MONDO:0010526, OMIM 301500, HP:0001071. Disease mechanism: loss of function, Fabry disease is due to inactivating mutations in the X-linked GLA gene resulting in deficiency of the enzyme Alpha Galactosidase-A..

Submissions (3):

Genomenon, Inc
Classification: Likely pathogenic for Fabry disease. Last evaluated: 2026-09-08. Review status: criteria provided, single submitter. Criteria: Genomenon Sequence Variant Interpretation Standards - Updated. Collection method: curation. Allele origin: germline. Affected: yes.
Comment: GLA p.Leu19Pro (c.56T>C) is a missense variant that changes the amino acid at codon 19 from Leucine to Proline. This variant has been observed in at least one proband with clinical features consistent with Fabry disease (PMID:19265719;34922431;25531941;30477121;28625968;32418857;15353880). The variant was found to segregate with disease in at least one affected family (PMID:15353880). At least one functional study has demonstrated a substantial alteration in protein function relative to the wild-type (PMID:27657681). It is absent or not present at a significant frequency in gnomAD. In conclusion, we classify GLA p.Leu19Pro (c.56T>C) as a likely pathogenic variant.

All of Us Research Program, National Institutes of Health
Classification: Uncertain significance for Fabry disease. Last evaluated: 2023-05-04. Review status: criteria provided, single submitter. Criteria: ACMG Guidelines, 2015. Collection method: clinical testing. Allele origin: germline. Inheritance: X-linked inheritance. Observed: 1 variant allele, 1 hemizygote.
Comment: This study involves interpretation of variants in research participants for the purpose of population health screening. Participant phenotype was not available at the time of variant classification. Additional details can be found in publication PMID: 35346344, PMCID: PMC8962531

Women's Health and Genetics/Laboratory Corporation of America, LabCorp
Classification: Likely pathogenic for Fabry disease. Last evaluated: 2021-07-02. Review status: criteria provided, single submitter. Criteria: LabCorp Variant Classification Summary - May 2015. Collection method: clinical testing. Allele origin: germline.
Comment: Variant summary: GLA c.56T>C (p.Leu19Pro) results in a non-conservative amino acid change in the encoded protein sequence. Three of five in-silico tools predict a damaging effect of the variant on protein function. The variant was absent in 183421 control chromosomes. c.56T>C has been reported in the literature in multiple individuals affected with Fabry Disease (Teragaki_2004, Skrunes_2017, Lubanda_2009, Choi_2017). These data indicate that the variant is likely to be associated with disease. To our knowledge, no experimental evidence demonstrating an impact on protein function has been reported. No clinical diagnostic laboratories have submitted clinical-significance assessments for this variant to ClinVar after 2014. Based on the evidence outlined above, the variant was classified as likely pathogenic.

Literature cited by the submitters: PubMed 19265719 (cited by Genomenon, Inc and Women's Health and Genetics/Laboratory Corporation of America, LabCorp); PubMed 34922431 (cited by Genomenon, Inc); PubMed 25531941 (cited by Genomenon, Inc and Women's Health and Genetics/Laboratory Corporation of America, LabCorp); PubMed 30477121 (cited by Genomenon, Inc and Women's Health and Genetics/Laboratory Corporation of America, LabCorp); PubMed 28625968 (cited by Genomenon, Inc and Women's Health and Genetics/Laboratory Corporation of America, LabCorp); PubMed 32418857 (cited by Genomenon, Inc and Women's Health and Genetics/Laboratory Corporation of America, LabCorp); PubMed 15353880 (cited by Genomenon, Inc and Women's Health and Genetics/Laboratory Corporation of America, LabCorp); PubMed 27657681 (cited by Genomenon, Inc); PubMed 25382311 (cited by Women's Health and Genetics/Laboratory Corporation of America, LabCorp); PubMed 32036093 (cited by Women's Health and Genetics/Laboratory Corporation of America, LabCorp); PubMed 28723748 (cited by Women's Health and Genetics/Laboratory Corporation of America, LabCorp).